The following is an entry in ClinVar:

ClinVar aggregate classification (germline): Conflicting classifications of pathogenicity. Review status: criteria provided, conflicting classifications (1 of 4 stars). 4 submissions from 4 submitters: Likely pathogenic (2); Uncertain significance (2). Last evaluated 2022-07-19.

Conditions:
Familial hemiplegic migraine. Identifiers: MedGen C0338484, MONDO:0000700.

Submissions (4):

Labcorp Genetics (formerly Invitae), Labcorp
Classification: Uncertain significance for Familial hemiplegic migraine. Last evaluated: 2022-07-19. Review status: criteria provided, single submitter. Criteria: Invitae Variant Classification Sherloc (09022015). Collection method: clinical testing. Allele origin: germline.
Comment: This sequence change replaces alanine, which is neutral and non-polar, with valine, which is neutral and non-polar, at codon 283 of the ATP1A2 protein (p.Ala283Val). This variant is not present in population databases (gnomAD no frequency). In summary, the available evidence is currently insufficient to determine the role of this variant in disease. Therefore, it has been classified as a Variant of Uncertain Significance. Advanced modeling of protein sequence and biophysical properties (such as structural, functional, and spatial information, amino acid conservation, physicochemical variation, residue mobility, and thermodynamic stability) performed at Invitae indicates that this missense variant is expected to disrupt ATP1A2 protein function. ClinVar contains an entry for this variant (Variation ID: 546611). This variant has not been reported in the literature in individuals affected with ATP1A2-related conditions.

GeneDx
Classification: Uncertain significance. Last evaluated: 2022-06-03. Review status: criteria provided, single submitter. Criteria: GeneDx Variant Classification Process June 2021. Collection method: clinical testing. Allele origin: germline. Affected: yes.
Comment: Not observed at significant frequency in large population cohorts (gnomAD); In silico analysis supports that this missense variant has a deleterious effect on protein structure/function; Has not been previously published as pathogenic or benign to our knowledge

Institute for Clinical Genetics, University Hospital TU Dresden, University Hospital TU Dresden
Classification: Likely pathogenic. Last evaluated: 2021-11-03. Review status: criteria provided, single submitter. Criteria: ACMG Guidelines, 2015. Collection method: clinical testing. Allele origin: germline.

CeGaT Center for Human Genetics Tuebingen
Classification: Likely pathogenic. Last evaluated: 2020-06-01. Review status: criteria provided, single submitter. Criteria: CeGaT Center For Human Genetics Tuebingen Variant Classification Criteria Version 2. Collection method: clinical testing. Allele origin: germline. Affected: yes. Observed: 3 variant alleles.

NM_000702.4(ATP1A2):c.848C>T (p.Ala283Val)

Gene: ATP1A2 (ATPase Na+/K+ transporting subunit alpha 2; plus strand). Cytogenetic location: 1q23.2.
Variant type: single nucleotide variant.
Coding change: c.848C>T on transcript NM_000702.4 (MANE Select); coding-DNA position 848, C replaced by T.
Protein change: p.Ala283Val; replaces alanine 283 with valine.
Molecular consequence: missense variant.
Genome position (GRCh38, 1-based): chr1:160,127,651, C>T. VCF-style: chr1-160127651-C-T. GRCh37 (hg19) VCF-style: chr1-160097441-C-T.
Other names: short protein forms A283V.
Identifiers: ClinVar variation 546611 (VCV000546611.49), dbSNP rs1553244740, ClinGen allele CA343237644.